The following is an entry in ClinVar:

ClinVar aggregate classification (germline): Uncertain significance (1 of 4 stars; one submission).

Allele frequency attached by ClinVar (database versions not stated): gnomAD exomes below 0.00001; ExAC 0.00001.
gnomAD v4.1: 1 of 1,613,652 alleles (0.000062%); highest among the groups gnomAD compares: African/African-American, 0.0013%; no homozygotes.

Submission:

Ambry Genetics
Classification: Uncertain significance. Last evaluated: 2021-08-08. Review status: criteria provided, single submitter. Criteria: Ambry Variant Classification Scheme 2023. Collection method: clinical testing. Allele origin: germline.
Comment: The p.G3212R variant (also known as c.9634G>A), located in coding exon 69 of the PRKDC gene, results from a G to A substitution at nucleotide position 9634. The glycine at codon 3212 is replaced by arginine, an amino acid with dissimilar properties. This amino acid position is conserved. In addition, this alteration is predicted to be tolerated by in silico analysis. Since supporting evidence is limited at this time, the clinical significance of this alteration remains unclear.

NM_006904.7(PRKDC):c.9634G>A (p.Gly3212Arg)

Gene: PRKDC (protein kinase, DNA-activated, catalytic subunit; minus strand). Cytogenetic location: 8q11.21.
Variant type: single nucleotide variant.
Coding change: c.9634G>A on transcript NM_006904.7 (MANE Select); coding-DNA position 9634, G replaced by A.
Protein change: p.Gly3212Arg; replaces glycine 3212 with arginine.
Molecular consequence: missense variant.
Genome position (GRCh38, 1-based): chr8:47,807,250, C>T on the plus strand (G>A on the coding strand, the complement: PRKDC is on the minus strand). VCF-style: chr8-47807250-C-T. GRCh37 (hg19) VCF-style: chr8-48719811-C-T.
Other names: c.9634G>A, p.Gly3212Arg (NM_001081640.2); short protein forms G3212R.
Identifiers: ClinVar variation 1767616 (VCV001767616.2), dbSNP rs771804621, ClinGen allele CA4739520.